The following is an entry in ClinVar:

NM_001457.4(FLNB):c.5843G>A (p.Arg1948Gln)

Gene: FLNB (filamin B; plus strand). Cytogenetic location: 3p14.3.
Variant type: single nucleotide variant.
Coding change: c.5843G>A on transcript NM_001457.4 (MANE Select); coding-DNA position 5843, G replaced by A.
Protein change: p.Arg1948Gln; replaces arginine 1948 with glutamine.
Molecular consequence: missense variant.
Genome position (GRCh38, 1-based): chr3:58,148,320, G>A. VCF-style: chr3-58148320-G-A. GRCh37 (hg19) VCF-style: chr3-58134047-G-A.
Other names: c.5936G>A, p.Arg1979Gln (NM_001164317.2); c.5810G>A, p.Arg1937Gln (NM_001164318.2); c.5771G>A, p.Arg1924Gln (NM_001164319.2); short protein forms R1924Q, R1937Q, R1948Q, R1979Q.
Identifiers: ClinVar variation 1588780 (VCV001588780.9), dbSNP rs143752722, ClinGen allele CA2469170.

ClinVar aggregate classification (germline): Conflicting classifications of pathogenicity. Review status: criteria provided, conflicting classifications (1 of 4 stars). 2 submissions from 2 submitters: Uncertain significance (1); Likely benign (1). Last evaluated 2025-07-20.

Allele frequency attached by ClinVar (database versions not stated): gnomAD exomes 0.00004 and 0.00008; TOPMed 0.00005; gnomAD 0.00006 and 0.00007; ESP Exome Variant Server 0.00008; ExAC 0.00009; 1000 Genomes Project 30x 0.00016; 1000 Genomes Project 0.00020.
gnomAD v4.1: 63 of 1,614,038 alleles (0.0039%); highest among the groups gnomAD compares: East Asian, 0.053%; no homozygotes.

Submissions (2):

Labcorp Genetics (formerly Invitae), Labcorp
Classification: Likely benign. Last evaluated: 2025-07-20. Review status: criteria provided, single submitter. Criteria: Invitae Variant Classification Sherloc (09022015). Collection method: clinical testing. Allele origin: germline.

GeneDx
Classification: Uncertain significance. Last evaluated: 2022-05-13. Review status: criteria provided, single submitter. Criteria: GeneDx Variant Classification Process June 2021. Collection method: clinical testing. Allele origin: germline. Affected: yes.
Comment: In silico analysis supports that this missense variant does not alter protein structure/function; Has not been previously published as pathogenic or benign to our knowledge